The following is an entry in ClinVar:

NM_000535.7(PMS2):c.24-1G>A

Gene: PMS2 (PMS1 homolog 2, mismatch repair system component; minus strand). Cytogenetic location: 7p22.1.
Variant type: single nucleotide variant.
Coding change: c.24-1G>A on transcript NM_000535.7 (MANE Select); the canonical splice acceptor site of the intron before coding-DNA position 24, G replaced by A.
Molecular consequence: splice acceptor variant. On other transcripts: intron variant (22).
Genome position (GRCh38, 1-based): chr7:6,006,032, C>T on the plus strand (G>A on the coding strand, the complement: PMS2 is on the minus strand). VCF-style: chr7-6006032-C-T. GRCh37 (hg19) VCF-style: chr7-6045663-C-T.
Other names: c.-382-1G>A (NM_001406898.1, NM_001322005.2, NM_001406891.1 and 1 more transcripts); c.-377-6G>A (NM_001406897.1, NM_001322009.2, NM_001322013.2 and 6 more transcripts); c.-329-1G>A (NM_001406894.1, NM_001406909.1, NM_001406907.1 and 3 more transcripts); c.-461-1G>A (NM_001406882.1, NM_001406875.1, NM_001406877.1 and 1 more transcripts); c.-52-1974G>A (NM_001322008.2); c.-218-1974G>A (NM_001406881.1); c.-189-1974G>A (NM_001406895.1); c.-242-1974G>A (NM_001406911.1, NM_001322010.2, NM_001322004.2); and 12 more.
Identifiers: ClinVar variation 924601 (VCV000924601.6), dbSNP rs1785723689, ClinGen allele CA366745208.

ClinVar aggregate classification (germline): Pathogenic/Likely pathogenic. Review status: criteria provided, multiple submitters, no conflicts (2 of 4 stars). 3 submissions from 3 submitters: Pathogenic (1); Likely pathogenic (2). Last evaluated 2023-09-18.

Conditions:
Hereditary cancer-predisposing syndrome. Also called: Neoplastic Syndromes, Hereditary; Tumor predisposition; Hereditary Cancer Syndrome; Hereditary neoplastic syndrome. Identifiers: Orphanet 140162, MedGen C0027672, MeSH D009386, MONDO:0015356.
Lynch syndrome 4 (LYNCH4). Also called: Colorectal cancer, hereditary nonpolyposis, type 4; Hereditary non-polyposis colorectal cancer, type 4. Identifiers: Orphanet 144, MedGen C1838333, MONDO:0013699, OMIM 614337. Disease mechanism: loss of function.

Allele frequency attached by ClinVar (database versions not stated): gnomAD exomes below 0.00001.
gnomAD v4.1: 1 of 1,610,556 alleles (0.000062%); highest among the groups gnomAD compares: South Asian, 0.0011%; no homozygotes.

Submissions (3):

Myriad Genetics, Inc.
Classification: Likely pathogenic for Lynch syndrome 4. Last evaluated: 2023-09-18. Review status: criteria provided, single submitter. Criteria: Myriad Autosomal Dominant, Autosomal Recessive and X-Linked Classification Criteria (2023). Collection method: clinical testing. Allele origin: unknown.
Comment: This variant is considered likely pathogenic. This variant occurs within a consensus splice junction and is predicted to result in abnormal mRNA splicing of either an out-of-frame exon or an in-frame exon necessary for protein stability and/or normal function.

Ambry Genetics
Classification: Pathogenic for Hereditary cancer-predisposing syndrome. Last evaluated: 2021-08-17. Review status: criteria provided, single submitter. Criteria: Ambry Variant Classification Scheme 2023. Collection method: clinical testing. Allele origin: germline.
Comment: The c.24-1G>A intronic pathogenic mutation results from a G to A substitution one nucleotide upstream from coding exon 2 of the PMS2 gene. In silico splice site analysis predicts that this alteration will weaken the native splice acceptor site. RNA studies have demonstrated that this alteration results in abnormal splicing in the set of samples tested (Ambry internal data). This variant is considered to be rare based on population cohorts in the Genome Aggregation Database (gnomAD). Alterations that disrupt the canonical splice site are expected to cause aberrant splicing, resulting in an abnormal protein or a transcript that is subject to nonsense-mediated mRNA decay. Based on the supporting evidence, this alteration is interpreted as a disease-causing mutation.

Color Diagnostics, LLC DBA Color Health
Classification: Likely pathogenic for Hereditary cancer-predisposing syndrome. Last evaluated: 2020-02-27. Review status: criteria provided, single submitter. Criteria: ACMG Guidelines, 2015. Collection method: clinical testing. Allele origin: germline.
Comment: This variant causes a G to A nucleotide substitution at the -1 position of intron 1 of the PMS2 gene. Splice site prediction tools suggest that this variant may have a significant impact on RNA splicing. Although this prediction has not been confirmed in published RNA studies, this variant is expected to result in an absent or disrupted protein product. This variant has not been reported in individuals affected with hereditary cancer in the literature. This variant has not been identified in the general population by the Genome Aggregation Database (gnomAD). Loss of PMS2 function is a known mechanism of disease. Based on the available evidence, this variant is classified as Likely Pathogenic.